The following is an entry in ClinVar:

NM_000051.4(ATM):c.2251-13C>T

Gene: ATM (ATM serine/threonine kinase; plus strand). Cytogenetic location: 11q22.3.
Variant type: single nucleotide variant.
Coding change: c.2251-13C>T on transcript NM_000051.4 (MANE Select); 13 bases into the intron before coding-DNA position 2251, C replaced by T.
Molecular consequence: intron variant.
Genome position (GRCh38, 1-based): chr11:108,257,468, C>T. VCF-style: chr11-108257468-C-T. GRCh37 (hg19) VCF-style: chr11-108128195-C-T.
Other names: c.2251-13C>T (NM_001351834.2).
Identifiers: ClinVar variation 2164701 (VCV002164701.6), dbSNP rs1253767193, ClinGen allele CA1998775750.

ClinVar aggregate classification (germline): Likely benign. Review status: criteria provided, multiple submitters, no conflicts (2 of 4 stars). 3 submissions from 3 submitters: Likely benign (3). Last evaluated 2024-11-07.

Conditions:
Hereditary cancer-predisposing syndrome. Also called: Neoplastic Syndromes, Hereditary; Hereditary neoplastic syndrome; Hereditary Cancer Syndrome; Tumor predisposition. Identifiers: Orphanet 140162, MedGen C0027672, MeSH D009386, MONDO:0015356.
Familial cancer of breast. Also called: Hereditary breast cancer; BREAST CANCER, FAMILIAL; hereditary breast carcinoma. Identifiers: Orphanet 227535, MedGen C0346153, MONDO:0016419, OMIM 114480. Disease mechanism: loss of function.
Ataxia-telangiectasia syndrome (AT). Also called: Ataxia telangiectasia (A-T); AT, COMPLEMENTATION GROUP C; Ataxia-telangiectasia, complementation group D; Cerebello-oculocutaneous telangiectasia; Immunodeficiency with ataxia telangiectasia; LOUIS-BAR SYNDROME. Identifiers: Orphanet 100, MedGen C0004135, MONDO:0008840, OMIM 208900.

Allele frequency attached by ClinVar (database versions not stated): TOPMed below 0.00001.

Submissions (3):

Labcorp Genetics (formerly Invitae), Labcorp
Classification: Likely benign for Ataxia-telangiectasia syndrome. Last evaluated: 2024-11-07. Review status: criteria provided, single submitter. Criteria: Invitae Variant Classification Sherloc (09022015). Collection method: clinical testing. Allele origin: germline.

Myriad Genetics, Inc.
Classification: Likely benign for Familial cancer of breast. Last evaluated: 2024-05-08. Review status: criteria provided, single submitter. Criteria: Myriad Autosomal Dominant, Autosomal Recessive and X-Linked Classification Criteria (2023). Collection method: clinical testing. Allele origin: unknown.
Comment: This variant is considered likely benign. This variant is intronic and is not expected to impact mRNA splicing.

Color Diagnostics, LLC DBA Color Health
Classification: Likely benign for Hereditary cancer-predisposing syndrome. Last evaluated: 2023-12-05. Review status: criteria provided, single submitter. Criteria: ACMG Guidelines, 2015. Collection method: clinical testing. Allele origin: germline.